The following is an entry in ClinVar:

ClinVar aggregate classification (germline): Likely benign (1 of 4 stars; one submission).

Submission:

GeneDx
Classification: Likely benign. Last evaluated: 2016-02-03. Review status: criteria provided, single submitter. Criteria: GeneDx Variant Classification (06012015). Collection method: clinical testing. Allele origin: germline. Affected: yes.
Comment: This variant is considered likely benign or benign based on one or more of the following criteria: it is a conservative change, it occurs at a poorly conserved position in the protein, it is predicted to be benign by multiple in silico algorithms, and/or has population frequency not consistent with disease.

NM_015443.4(KANSL1):c.845C>A (p.Thr282Lys)

Gene: KANSL1 (KAT8 regulatory NSL complex subunit 1). Cytogenetic location: 17q21.31.
Variant type: single nucleotide variant.
Coding change: c.845C>A on transcript NM_015443.4 (MANE Select); coding-DNA position 845, C replaced by A.
Protein change: p.Thr282Lys; replaces threonine 282 with lysine.
Molecular consequence: missense variant.
Genome position (GRCh38, 1-based): chr17:46,171,299, G>T on the plus strand (C>A on the coding strand, the complement: KANSL1 is on the minus strand). VCF-style: chr17-46171299-G-T. GRCh37 (hg19) VCF-style: chr17-44248665-G-T.
Other names: c.845C>A, p.Thr282Lys (NM_001193465.2, NM_001193466.2, NM_001379198.1); short protein forms T282K.
Identifiers: ClinVar variation 383404 (VCV000383404.1), dbSNP rs779421348, ClinGen allele CA16607318.
Genomic context (GRCh38, chr17:46,171,299, plus strand): 5'-TGTAATCTGCGGGCACGGCTCTCAATGTCAGCCTGTCGCCGCAGTAAAGCTGTTATCCTT[G>T]TGTCAGAATCTAAAGCACTGAAAAGAATGGAAGACAGGGGAGACTTTTTACCCTCCAATT-3'
Protein context (NP_056258.1, residues 272-292): SILFSALDSD[Thr282Lys]RITALLRRQA